The following is an entry in ClinVar:

NM_025132.4(WDR19):c.3158T>C (p.Val1053Ala)

Gene: WDR19 (WD repeat domain 19; plus strand). Cytogenetic location: 4p14.
Variant type: single nucleotide variant.
Coding change: c.3158T>C on transcript NM_025132.4 (MANE Select); coding-DNA position 3158, T replaced by C.
Protein change: p.Val1053Ala; replaces valine 1053 with alanine.
Molecular consequence: missense variant.
Genome position (GRCh38, 1-based): chr4:39,257,529, T>C. VCF-style: chr4-39257529-T-C. GRCh37 (hg19) VCF-style: chr4-39259149-T-C.
Other names: c.2678T>C, p.Val893Ala (NM_001317924.2); short protein forms V1053A, V893A.
Identifiers: ClinVar variation 2156095 (VCV002156095.4), dbSNP rs1163694118, ClinGen allele CA356643596.

ClinVar aggregate classification (germline): Uncertain significance (1 of 4 stars; one submission).

Conditions:
Asphyxiating thoracic dystrophy 5 (SRTD5). Also called: SHORT-RIB THORACIC DYSPLASIA 5 WITHOUT POLYDACTYLY; SHORT-RIB THORACIC DYSPLASIA 5 WITH OR WITHOUT POLYDACTYLY. Identifiers: Orphanet 474, MedGen C3280598, MONDO:0013717, OMIM 614376.
Senior-Loken syndrome 8 (SLSN8). Identifiers: Orphanet 3156, MedGen C4225376, MONDO:0014579, OMIM 616307.

Allele frequency attached by ClinVar (database versions not stated): gnomAD exomes below 0.00001.
gnomAD v4.1: 6 of 1,590,416 alleles (0.00038%); highest among the groups gnomAD compares: Non-Finnish European, 0.000086%; no homozygotes.

Submission:

Labcorp Genetics (formerly Invitae), Labcorp
Classification: Uncertain significance for Senior-Loken syndrome 8; Asphyxiating thoracic dystrophy 5. Last evaluated: 2022-04-30. Review status: criteria provided, single submitter. Criteria: Invitae Variant Classification Sherloc (09022015). Collection method: clinical testing. Allele origin: germline.
Comment: In summary, the available evidence is currently insufficient to determine the role of this variant in disease. Therefore, it has been classified as a Variant of Uncertain Significance. Algorithms developed to predict the effect of missense changes on protein structure and function output the following: SIFT: "Tolerated"; PolyPhen-2: "Benign"; Align-GVGD: "Class C0". The alanine amino acid residue is found in multiple mammalian species, which suggests that this missense change does not adversely affect protein function. This variant has not been reported in the literature in individuals affected with WDR19-related conditions. This variant is not present in population databases (gnomAD no frequency). This sequence change replaces valine, which is neutral and non-polar, with alanine, which is neutral and non-polar, at codon 1053 of the WDR19 protein (p.Val1053Ala).